The following is an entry in ClinVar:

ClinVar aggregate classification (germline): Uncertain significance (1 of 4 stars; one submission).

Allele frequency attached by ClinVar (database versions not stated): TOPMed below 0.00001; gnomAD 0.00001.
gnomAD v4.1: 2 of 1,567,140 alleles (0.00013%); highest among the groups gnomAD compares: Non-Finnish European, 0.000087%; no homozygotes.

Submission:

Labcorp Genetics (formerly Invitae), Labcorp
Classification: Uncertain significance. Last evaluated: 2023-12-11. Review status: criteria provided, single submitter. Criteria: Invitae Variant Classification Sherloc (09022015). Collection method: clinical testing. Allele origin: germline.
Comment: This sequence change creates a premature translational stop signal (p.Gln75*) in the ERBB2 gene. It is expected to result in an absent or disrupted protein product. However, the current clinical and genetic evidence is not sufficient to establish whether loss-of-function variants in ERBB2 cause disease. This variant is not present in population databases (gnomAD no frequency). This variant has not been reported in the literature in individuals affected with ERBB2-related conditions. ClinVar contains an entry for this variant (Variation ID: 1397804). Algorithms developed to predict the effect of sequence changes on RNA splicing suggest that this variant may disrupt the consensus splice site. In summary, the available evidence is currently insufficient to determine the role of this variant in disease. Therefore, it has been classified as a Variant of Uncertain Significance.

NM_004448.4(ERBB2):c.223C>T (p.Gln75Ter)

Gene: ERBB2 (erb-b2 receptor tyrosine kinase 2; plus strand). Cytogenetic location: 17q12.
Variant type: single nucleotide variant.
Coding change: c.223C>T on transcript NM_004448.4 (MANE Select); coding-DNA position 223, C replaced by T.
Protein change: p.Gln75Ter; replaces glutamine 75 with a stop codon.
Molecular consequence: nonsense. On other transcripts: non-coding transcript variant (1), intron variant (1).
Genome position (GRCh38, 1-based): chr17:39,707,139, C>T. VCF-style: chr17-39707139-C-T. GRCh37 (hg19) VCF-style: chr17-37863392-C-T.
Other names: c.133C>T, p.Gln45Ter (NM_001005862.3, NM_001289938.2, NM_001382782.1 and 1 more transcripts); c.178C>T, p.Gln60Ter (NM_001289936.2); c.223C>T, p.Gln75Ter (NM_001289937.2, NM_001382784.1, NM_001382785.1 and 20 more transcripts); c.74-4789C>T (NM_001382804.1); short protein forms Q45*, Q75*, Q60*.
Identifiers: ClinVar variation 1397804 (VCV001397804.6), dbSNP rs1449036371, ClinGen allele CA399271235.